The following is an entry in ClinVar:

NM_177438.3(DICER1):c.5006T>G (p.Phe1669Cys)

Gene: DICER1 (dicer 1, ribonuclease III; minus strand). Cytogenetic location: 14q32.13.
Variant type: single nucleotide variant.
Coding change: c.5006T>G on transcript NM_177438.3 (MANE Select); coding-DNA position 5006, T replaced by G.
Protein change: p.Phe1669Cys; replaces phenylalanine 1669 with cysteine.
Molecular consequence: missense variant.
Genome position (GRCh38, 1-based): chr14:95,095,914, A>C on the plus strand (T>G on the coding strand, the complement: DICER1 is on the minus strand). VCF-style: chr14-95095914-A-C. GRCh37 (hg19) VCF-style: chr14-95562251-A-C.
Other names: c.5006T>G, p.Phe1669Cys (NM_001195573.1, NM_001271282.3, NM_001291628.2 and 1 more transcripts); short protein forms F1669C.
Identifiers: ClinVar variation 1370252 (VCV001370252.9), dbSNP rs1555367521, ClinGen allele CA390866116.
Genomic context (GRCh38, chr14:95,095,914, plus strand): 5'-TGTGTAAAAGCCTGGAGAAGGTAAGCCTTATTCTTGAATCTGTAGTTGATTTTCTTTTCA[A>C]AATTTTCAAACCCCGATATAAGGTGATTCAGTGTTTTATCTGCATCTGGATGATCAAACA-3'
Protein context (NP_803187.1, residues 1659-1679): LNHLISGFEN[Phe1669Cys]EKKINYRFKN

ClinVar aggregate classification (germline): Uncertain significance (1 of 4 stars; one submission).

Conditions:
DICER1-related tumor predisposition. Also called: DICER1-related pleuropulmonary blastoma cancer predisposition syndrome; DICER1 syndrome. Identifiers: Orphanet 284343, MedGen C3839822, MONDO:0100216.

Submission:

Labcorp Genetics (formerly Invitae), Labcorp
Classification: Uncertain significance for DICER1-related tumor predisposition. Last evaluated: 2021-02-06. Review status: criteria provided, single submitter. Criteria: Invitae Variant Classification Sherloc (09022015). Collection method: clinical testing. Allele origin: germline.
Comment: This variant has not been reported in the literature in individuals with DICER1-related conditions. Algorithms developed to predict the effect of missense changes on protein structure and function (SIFT, PolyPhen-2, Align-GVGD) all suggest that this variant is likely to be disruptive, but these predictions have not been confirmed by published functional studies and their clinical significance is uncertain. In summary, the available evidence is currently insufficient to determine the role of this variant in disease. Therefore, it has been classified as a Variant of Uncertain Significance. This variant is not present in population databases (ExAC no frequency). This sequence change replaces phenylalanine with cysteine at codon 1669 of the DICER1 protein (p.Phe1669Cys). The phenylalanine residue is highly conserved and there is a large physicochemical difference between phenylalanine and cysteine.